The following is an entry in ClinVar:

ClinVar aggregate classification (germline): Conflicting classifications of pathogenicity. Review status: criteria provided, conflicting classifications (1 of 4 stars). 3 submissions from 3 submitters: Uncertain significance (2); Likely benign (1). Last evaluated 2024-11-15.

Conditions:
Cardiovascular phenotype. Identifiers: MedGen CN230736.
Aortic valve disease 2 (AOVD2). Identifiers: MedGen C3542024, MONDO:0013902, OMIM 614823.
Holt-Oram syndrome (HOS). Also called: Ventriculo-radial syndrome; Cardiac-limb syndrome; Heart-hand syndrome, type 1; TBX5-Related Holt-Oram Syndrome. Identifiers: Orphanet 392, MedGen C0265264, MONDO:0007732, OMIM 142900.

Allele frequency attached by ClinVar (database versions not stated): ExAC 0.00003; gnomAD exomes 0.00003.

Submissions (3):

Labcorp Genetics (formerly Invitae), Labcorp
Classification: Uncertain significance for Aortic valve disease 2. Last evaluated: 2024-11-15. Review status: criteria provided, single submitter. Criteria: Invitae Variant Classification Sherloc (09022015). Collection method: clinical testing. Allele origin: germline.
Comment: This sequence change replaces glycine, which is neutral and non-polar, with serine, which is neutral and polar, at codon 299 of the TBX5 protein (p.Gly299Ser). This variant is present in population databases (rs201637366, gnomAD 0.01%). This variant has not been reported in the literature in individuals affected with TBX5-related conditions. ClinVar contains an entry for this variant (Variation ID: 1416362). Invitae Evidence Modeling of protein sequence and biophysical properties (such as structural, functional, and spatial information, amino acid conservation, physicochemical variation, residue mobility, and thermodynamic stability) indicates that this missense variant is not expected to disrupt TBX5 protein function with a negative predictive value of 80%. In summary, the available evidence is currently insufficient to determine the role of this variant in disease. Therefore, it has been classified as a Variant of Uncertain Significance.

Ambry Genetics
Classification: Likely benign for Cardiovascular phenotype. Last evaluated: 2021-02-09. Review status: criteria provided, single submitter. Criteria: Ambry Variant Classification Scheme 2023. Collection method: clinical testing. Allele origin: germline.

Revvity Omics, Revvity
Classification: Uncertain significance for Holt-Oram syndrome. Last evaluated: 2019-11-12. Review status: criteria provided, single submitter. Criteria: ACMG Guidelines, 2015. Collection method: clinical testing. Allele origin: germline.

NM_181486.4(TBX5):c.895G>A (p.Gly299Ser)

Gene: TBX5 (T-box transcription factor 5; minus strand). Cytogenetic location: 12q24.21.
Variant type: single nucleotide variant.
Coding change: c.895G>A on transcript NM_181486.4 (MANE Select); coding-DNA position 895, G replaced by A.
Protein change: p.Gly299Ser; replaces glycine 299 with serine.
Molecular consequence: missense variant.
Genome position (GRCh38, 1-based): chr12:114,366,252, C>T on the plus strand (G>A on the coding strand, the complement: TBX5 is on the minus strand). VCF-style: chr12-114366252-C-T. GRCh37 (hg19) VCF-style: chr12-114804057-C-T.
Other names: c.895G>A, p.Gly299Ser (NM_000192.3); c.745G>A, p.Gly249Ser (NM_080717.4); short protein forms G249S, G299S.
Identifiers: ClinVar variation 1416362 (VCV001416362.12), dbSNP rs201637366, ClinGen allele CA6809476.
Genomic context (GRCh38, chr12:114,366,252, plus strand): 5'-GGCTATGCTCCTGGGGCAGTGGGTATGGGTTGGGTGGAGGCAGGAGGTCCTGGGAGGGGC[C>T]GGAAACACCATTCTCACACTGGTATTGGGACCCCAAATTGGATGAGGTGGAGAGAGCTCG-3'
Protein context (NP_852259.1, residues 289-309): SQYQCENGVS[Gly299Ser]PSQDLLPPPN